The following is an entry in ClinVar:

ClinVar aggregate classification (germline): Benign/Likely benign. Review status: criteria provided, multiple submitters, no conflicts (2 of 4 stars). 7 submissions from 7 submitters: Benign (3); Likely benign (3). 1 of the submissions does not count toward it. Last evaluated 2026-01-29.

Conditions:
RFX6-related disorder. Also called: RFX6-related condition.
Hypoplastic pancreas-intestinal atresia-hypoplastic gallbalder syndrome. Also called: DIABETES, NEONATAL, WITH PANCREATIC HYPOPLASIA, INTESTINAL ATRESIA, AND GALLBLADDER APLASIA OR HYPOPLASIA; Mitchell-Riley syndrome. Identifiers: Orphanet 293864, MedGen C2748662, MONDO:0017400, OMIM 615710.

Allele frequency attached by ClinVar (database versions not stated): ESP Exome Variant Server 0.00023; gnomAD exomes 0.00142 and 0.00605; gnomAD 0.00291 and 0.00320; ExAC 0.00447; TOPMed 0.00458; 1000 Genomes Project 0.00779; 1000 Genomes Project 30x 0.00828.
gnomAD v4.1: 2,548 of 1,606,636 alleles (0.16%); highest among the groups gnomAD compares: Admixed American, 3.9%; 78 homozygotes.

Submissions (7):

Labcorp Genetics (formerly Invitae), Labcorp
Classification: Benign. Last evaluated: 2026-01-29. Review status: criteria provided, single submitter. Criteria: Invitae Variant Classification Sherloc (09022015). Collection method: clinical testing. Allele origin: germline.

ARUP Laboratories, Molecular Genetics and Genomics, ARUP Laboratories
Classification: Benign for Hypoplastic pancreas-intestinal atresia-hypoplastic gallbalder syndrome. Last evaluated: 2025-06-23. Review status: criteria provided, single submitter. Criteria: ARUP Molecular Germline Variant Investigation Process 2024. Collection method: clinical testing. Allele origin: germline.

Blueprint Genetics
Classification: Likely benign. Last evaluated: 2024-11-27. Review status: criteria provided, single submitter. Criteria: ACMG Guidelines, 2015. Collection method: clinical testing. Allele origin: germline.

GeneDx
Classification: Likely benign. Last evaluated: 2021-04-18. Review status: criteria provided, single submitter. Criteria: GeneDx Variant Classification Process June 2021. Collection method: clinical testing. Allele origin: germline. Affected: yes.

Genetic Services Laboratory, University of Chicago
Classification: Benign. Last evaluated: 2021-04-02. Review status: criteria provided, single submitter. Criteria: ACMG Guidelines, 2015. Collection method: clinical testing. Allele origin: germline. Affected: no.

Breakthrough Genomics
Classification: Likely benign. Review status: criteria provided, single submitter. Criteria: ACMG Guidelines, 2015. Collection method: not provided. Allele origin: germline. Inheritance: Autosomal recessive inheritance. Affected: yes.

PreventionGenetics, part of Exact Sciences
Classification: Benign for RFX6-related condition. Last evaluated: 2019-07-12. Review status: no assertion criteria provided. Collection method: clinical testing. Allele origin: germline. Not counted in ClinVar's aggregate classification.
Comment: This variant is classified as benign based on ACMG/AMP sequence variant interpretation guidelines (Richards et al. 2015 PMID: 25741868, with internal and published modifications).

NM_173560.4(RFX6):c.985G>A (p.Val329Ile)

Gene: RFX6 (regulatory factor X6; plus strand). Cytogenetic location: 6q22.1.
Variant type: single nucleotide variant.
Coding change: c.985G>A on transcript NM_173560.4 (MANE Select); coding-DNA position 985, G replaced by A.
Protein change: p.Val329Ile; replaces valine 329 with isoleucine.
Molecular consequence: missense variant.
Genome position (GRCh38, 1-based): chr6:116,918,049, G>A. VCF-style: chr6-116918049-G-A. GRCh37 (hg19) VCF-style: chr6-117239212-G-A.
Other names: short protein forms V329I.
Identifiers: ClinVar variation 702079 (VCV000702079.21), dbSNP rs139343836, ClinGen allele CA3973193.
Genomic context (GRCh38, chr6:116,918,049, plus strand): 5'-AGAAATACTAAGTAAAGATTTGTATTAACCTCTTTTGCTATGATTAAGGTTCTTACAGAT[G>A]TACTCATTCCTGCAACAATGCAAGAAATGCCTGAAAGGTATGTTCAGTTAATAAAACATG-3'
Protein context (NP_775831.2, residues 319-339): DSILYKVLTD[Val329Ile]LIPATMQEMP